The following is an entry in ClinVar:

NM_001172509.2(SATB2):c.787T>C (p.Ser263Pro)

Gene: SATB2 (SATB homeobox 2; minus strand). Cytogenetic location: 2q33.1.
Variant type: single nucleotide variant.
Coding change: c.787T>C on transcript NM_001172509.2 (MANE Select); coding-DNA position 787, T replaced by C.
Protein change: p.Ser263Pro; replaces serine 263 with proline.
Molecular consequence: missense variant.
Genome position (GRCh38, 1-based): chr2:199,349,087, A>G on the plus strand (T>C on the coding strand, the complement: SATB2 is on the minus strand). VCF-style: chr2-199349087-A-G. GRCh37 (hg19) VCF-style: chr2-200213810-A-G.
Other names: c.787T>C, p.Ser263Pro (NM_001172517.1, NM_015265.4); short protein forms S263P.
Identifiers: ClinVar variation 1205443 (VCV001205443.16), dbSNP rs12619995, ClinGen allele CA2046005.

ClinVar aggregate classification (germline): Conflicting classifications of pathogenicity. Review status: criteria provided, conflicting classifications (1 of 4 stars). 5 submissions from 5 submitters: Uncertain significance (1); Likely benign (3). 1 of the submissions does not count toward it. Last evaluated 2025-12-22.

Conditions:
Chromosome 2q32-q33 deletion syndrome (GLASS). Also called: Glass syndrome; 2q33.1 deletion syndrome. Identifiers: Orphanet 251019, MedGen C2676739, MONDO:0012864, OMIM 612313.
SATB2-related disorder. Also called: SATB2-related condition.
Inborn genetic diseases. Identifiers: MedGen C0950123, MeSH D030342.

Allele frequency attached by ClinVar (database versions not stated): ExAC 0.00008; gnomAD exomes 0.00017 and 0.00007; gnomAD 0.00012 and 0.00006; TOPMed 0.00015; 1000 Genomes Project 0.00080; 1000 Genomes Project 30x 0.00078.
gnomAD v4.1: 116 of 1,614,086 alleles (0.0072%); highest among the groups gnomAD compares: East Asian, 0.25%; no homozygotes.

Submissions (5):

Labcorp Genetics (formerly Invitae), Labcorp
Classification: Likely benign for Chromosome 2q32-q33 deletion syndrome. Last evaluated: 2025-12-22. Review status: criteria provided, single submitter. Criteria: Invitae Variant Classification Sherloc (09022015). Collection method: clinical testing. Allele origin: germline.

Fulgent Genetics
Classification: Likely benign for Chromosome 2q32-q33 deletion syndrome. Last evaluated: 2022-03-02. Review status: criteria provided, single submitter. Criteria: ACMG Guidelines, 2015. Collection method: clinical testing. Allele origin: unknown.

GeneDx
Classification: Likely benign. Last evaluated: 2019-09-09. Review status: criteria provided, single submitter. Criteria: GeneDx Variant Classification Process June 2021. Collection method: clinical testing. Allele origin: germline. Affected: yes.

Ambry Genetics
Classification: Uncertain significance for Inborn genetic diseases. Last evaluated: 2018-07-30. Review status: criteria provided, single submitter. Criteria: Ambry Variant Classification Scheme 2023. Collection method: clinical testing. Allele origin: germline.
Comment: The p.S263P variant (also known as c.787T>C), located in coding exon 6 of the SATB2 gene, results from a T to C substitution at nucleotide position 787. The serine at codon 263 is replaced by proline, an amino acid with similar properties. This amino acid position is well conserved in available vertebrate species. In addition, this alteration is predicted to be tolerated by in silico analysis. Since supporting evidence is limited at this time, the clinical significance of this alteration remains unclear.

PreventionGenetics, part of Exact Sciences
Classification: Likely benign for SATB2-related condition. Last evaluated: 2023-09-27. Review status: no assertion criteria provided. Collection method: clinical testing. Allele origin: germline. Not counted in ClinVar's aggregate classification.
Comment: This variant is classified as likely benign based on ACMG/AMP sequence variant interpretation guidelines (Richards et al. 2015 PMID: 25741868, with internal and published modifications).